The following is an entry in ClinVar:

ClinVar aggregate classification (germline): Uncertain significance (1 of 4 stars; one submission).

Conditions:
Dilated cardiomyopathy 1KK (CMD1KK). Identifiers: Orphanet 154, Orphanet 75249, MedGen C3714995, MONDO:0014100, OMIM 615248.

Allele frequency attached by ClinVar (database versions not stated): ExAC 0.00001; gnomAD 0.00002 and 0.00003; gnomAD exomes 0.00004; TOPMed 0.00004.
gnomAD v4.1: 15 of 1,614,028 alleles (0.00093%); highest among the groups gnomAD compares: East Asian, 0.031%; no homozygotes.

Submission:

Labcorp Genetics (formerly Invitae), Labcorp
Classification: Uncertain significance for Dilated cardiomyopathy 1KK. Last evaluated: 2022-07-12. Review status: criteria provided, single submitter. Criteria: Invitae Variant Classification Sherloc (09022015). Collection method: clinical testing. Allele origin: germline.
Comment: This sequence change replaces leucine, which is neutral and non-polar, with serine, which is neutral and polar, at codon 747 of the MYPN protein (p.Leu747Ser). This variant is present in population databases (rs758580382, gnomAD 0.06%). This variant has not been reported in the literature in individuals affected with MYPN-related conditions. ClinVar contains an entry for this variant (Variation ID: 477748). Algorithms developed to predict the effect of missense changes on protein structure and function are either unavailable or do not agree on the potential impact of this missense change (SIFT: "Deleterious"; PolyPhen-2: "Benign"; Align-GVGD: "Class C55"). In summary, the available evidence is currently insufficient to determine the role of this variant in disease. Therefore, it has been classified as a Variant of Uncertain Significance.

NM_032578.4(MYPN):c.2240T>C (p.Leu747Ser)

Gene: MYPN (myopalladin; plus strand). Cytogenetic location: 10q21.3.
Variant type: single nucleotide variant.
Coding change: c.2240T>C on transcript NM_032578.4 (MANE Select); coding-DNA position 2240, T replaced by C.
Protein change: p.Leu747Ser; replaces leucine 747 with serine.
Molecular consequence: missense variant. On other transcripts: non-coding transcript variant (2).
Genome position (GRCh38, 1-based): chr10:68,174,332, T>C. VCF-style: chr10-68174332-T-C. GRCh37 (hg19) VCF-style: chr10-69934089-T-C.
Other names: c.2240T>C, p.Leu747Ser (NM_001256267.2); c.1358T>C, p.Leu453Ser (NM_001256268.2); short protein forms L747S, L453S.
Identifiers: ClinVar variation 477748 (VCV000477748.6), dbSNP rs758580382, ClinGen allele CA5522759.